The following is an entry in ClinVar:

ClinVar aggregate classification (germline): Uncertain significance (0 of 4 stars; one submission).

Allele frequency attached by ClinVar (database versions not stated): TOPMed 0.00003.

Submission:

Department of Pathology and Laboratory Medicine, Sinai Health System
Classification: Uncertain significance. Review status: no assertion criteria provided. Collection method: clinical testing. Allele origin: unknown. Affected: yes. Study: The Canadian Open Genetics Repository (COGR).
Comment: The ZNF142 p.Arg847Gln variant was not identified in the literature nor was it identified in ClinVar. The variant was identified in dbSNP (ID: rs781345614) and in control databases in 16 of 249454 chromosomes at a frequency of 0.00006414 (Genome Aggregation Database March 6, 2019, v2.1.1). The variant was observed in the following populations: South Asian in 12 of 30602 chromosomes (freq: 0.000392), Latino in 2 of 34512 chromosomes (freq: 0.000058) and European (non-Finnish) in 2 of 113204 chromosomes (freq: 0.000018), but was not observed in the African, Ashkenazi Jewish, East Asian, European (Finnish), or Other populations. The p.Arg847 residue is conserved in mammals but not in more distantly related organisms however four out of five computational analyses (PolyPhen-2, SIFT, AlignGVGD, BLOSUM, MutationTaster) do not suggest a high likelihood of impact to the protein; this information is not predictive enough to rule out pathogenicity. The variant occurs outside of the splicing consensus sequence and 4 of 4 in silico or computational prediction software programs (SpliceSiteFinder, MaxEntScan, NNSPLICE, GeneSplicer) predict a greater than 10% difference in splicing and the creation of a new 3' splice site. However, this has not been confirmed by RNA analysis and is not predictive enough to assume pathogenicity. In summary, based on the above information the clinical significance of this variant cannot be determined with certainty at this time. This variant is classified as a variant of uncertain significance.

NM_001379659.1(ZNF142):c.3140G>A (p.Arg1047Gln)

Gene: ZNF142 (zinc finger protein 142; minus strand). Cytogenetic location: 2q35.
Variant type: single nucleotide variant.
Coding change: c.3140G>A on transcript NM_001379659.1 (MANE Select); coding-DNA position 3140, G replaced by A.
Protein change: p.Arg1047Gln; replaces arginine 1047 with glutamine.
Molecular consequence: missense variant.
Genome position (GRCh38, 1-based): chr2:218,643,976, C>T on the plus strand (G>A on the coding strand, the complement: ZNF142 is on the minus strand). VCF-style: chr2-218643976-C-T. GRCh37 (hg19) VCF-style: chr2-219508699-C-T.
Other names: c.2051G>A, p.Arg684Gln (NM_001366287.3, NM_001366288.3, NM_001366289.3); c.3140G>A, p.Arg1047Gln (NM_001366290.3, NM_001379660.1, NM_001379661.1); c.2540G>A, p.Arg847Gln (NM_001366291.3, NM_001379662.1, NM_001105537.5); short protein forms R1047Q, R684Q, R847Q.
Identifiers: ClinVar variation 1049489 (VCV001049489.1), dbSNP rs781345614, ClinGen allele CA2109059.